The following is an entry in ClinVar:

ClinVar aggregate classification (germline): Uncertain significance (1 of 4 stars; one submission).

Conditions:
Hereditary cancer-predisposing syndrome. Also called: Tumor predisposition; Neoplastic Syndromes, Hereditary; Hereditary Cancer Syndrome; Hereditary neoplastic syndrome. Identifiers: Orphanet 140162, MedGen C0027672, MeSH D009386, MONDO:0015356.

Submission:

Ambry Genetics
Classification: Uncertain significance for Hereditary cancer-predisposing syndrome. Last evaluated: 2024-10-18. Review status: criteria provided, single submitter. Criteria: Ambry Variant Classification Scheme 2023. Collection method: clinical testing. Allele origin: germline.
Comment: The p.M88V variant (also known as c.262A>G), located in coding exon 2 of the FH gene, results from an A to G substitution at nucleotide position 262. The methionine at codon 88 is replaced by valine, an amino acid with highly similar properties. This amino acid position is conserved. In addition, this alteration is predicted to be deleterious by in silico analysis. Based on the available evidence, the clinical significance of this variant remains unclear.

NM_000143.4(FH):c.262A>G (p.Met88Val)

Gene: FH (fumarate hydratase; minus strand). Cytogenetic location: 1q43.
Variant type: single nucleotide variant.
Coding change: c.262A>G on transcript NM_000143.4 (MANE Select); coding-DNA position 262, A replaced by G.
Protein change: p.Met88Val; replaces methionine 88 with valine.
Molecular consequence: missense variant.
Genome position (GRCh38, 1-based): chr1:241,517,187, T>C on the plus strand (A>G on the coding strand, the complement: FH is on the minus strand). VCF-style: chr1-241517187-T-C. GRCh37 (hg19) VCF-style: chr1-241680487-T-C.
Other names: short protein forms M88V.
Identifiers: ClinVar variation 3515111 (VCV003515111.1).